The following is an entry in ClinVar:

NM_001365480.1(CCDC88A):c.5141T>C (p.Leu1714Ser)

Gene: CCDC88A (coiled-coil domain containing 88A; minus strand). Cytogenetic location: 2p16.1.
Variant type: single nucleotide variant.
Coding change: c.5141T>C on transcript NM_001365480.1 (MANE Select); coding-DNA position 5141, T replaced by C.
Protein change: p.Leu1714Ser; replaces leucine 1714 with serine.
Molecular consequence: missense variant.
Genome position (GRCh38, 1-based): chr2:55,296,007, A>G on the plus strand (T>C on the coding strand, the complement: CCDC88A is on the minus strand). VCF-style: chr2-55296007-A-G. GRCh37 (hg19) VCF-style: chr2-55523143-A-G.
Other names: c.5138T>C, p.Leu1713Ser (NM_001135597.2, NM_001254943.2); c.5057T>C, p.Leu1686Ser (NM_018084.5); c.5138T>C (NM_001135597.1); short protein forms L1713S, L1714S, L1686S.
Identifiers: ClinVar variation 1520497 (VCV001520497.4), dbSNP rs144120500, ClinGen allele CA1665379.

ClinVar aggregate classification (germline): Uncertain significance. Review status: criteria provided, multiple submitters, no conflicts (2 of 4 stars). 2 submissions from 2 submitters: Uncertain significance (2). Last evaluated 2024-07-09.

Allele frequency attached by ClinVar (database versions not stated): gnomAD exomes 0.00003 and 0.00011; ExAC 0.00015; gnomAD 0.00032 and 0.00033; TOPMed 0.00037; ESP Exome Variant Server 0.00055; 1000 Genomes Project 0.00060; 1000 Genomes Project 30x 0.00094.
gnomAD v4.1: 98 of 1,608,948 alleles (0.0061%); highest among the groups gnomAD compares: African/African-American, 0.12%; no homozygotes.

Submissions (2):

Ambry Genetics
Classification: Uncertain significance. Last evaluated: 2024-07-09. Review status: criteria provided, single submitter. Criteria: Ambry Variant Classification Scheme 2023. Collection method: clinical testing. Allele origin: germline.

Labcorp Genetics (formerly Invitae), Labcorp
Classification: Uncertain significance. Last evaluated: 2022-09-07. Review status: criteria provided, single submitter. Criteria: Invitae Variant Classification Sherloc (09022015). Collection method: clinical testing. Allele origin: germline.
Comment: This sequence change replaces leucine, which is neutral and non-polar, with serine, which is neutral and polar, at codon 1713 of the CCDC88A protein (p.Leu1713Ser). This variant is present in population databases (rs144120500, gnomAD 0.1%). This variant has not been reported in the literature in individuals affected with CCDC88A-related conditions. ClinVar contains an entry for this variant (Variation ID: 1520497). Algorithms developed to predict the effect of missense changes on protein structure and function are either unavailable or do not agree on the potential impact of this missense change (SIFT: "Deleterious"; PolyPhen-2: "Possibly Damaging"; Align-GVGD: "Class C0"). In summary, the available evidence is currently insufficient to determine the role of this variant in disease. Therefore, it has been classified as a Variant of Uncertain Significance.